The following is an entry in ClinVar:

NM_006766.5(KAT6A):c.2826G>T (p.Glu942Asp)

Gene: KAT6A (lysine acetyltransferase 6A; minus strand). Cytogenetic location: 8p11.21.
Variant type: single nucleotide variant.
Coding change: c.2826G>T on transcript NM_006766.5 (MANE Select); coding-DNA position 2826, G replaced by T.
Protein change: p.Glu942Asp; replaces glutamic acid 942 with aspartic acid.
Molecular consequence: missense variant.
Genome position (GRCh38, 1-based): chr8:41,941,055, C>A on the plus strand (G>T on the coding strand, the complement: KAT6A is on the minus strand). VCF-style: chr8-41941055-C-A. GRCh37 (hg19) VCF-style: chr8-41798573-C-A.
Other names: c.2826G>T (NM_006766.3); short protein forms E942D.
Identifiers: ClinVar variation 2068842 (VCV002068842.5), dbSNP rs200079318, ClinGen allele CA4729830.

ClinVar aggregate classification (germline): Conflicting classifications of pathogenicity. Review status: criteria provided, conflicting classifications (1 of 4 stars). 2 submissions from 2 submitters: Uncertain significance (1); Likely benign (1). Last evaluated 2025-10-06.

Conditions:
Inborn genetic diseases. Identifiers: MedGen C0950123, MeSH D030342.

Allele frequency attached by ClinVar (database versions not stated): ExAC 0.00002; gnomAD 0.00002; gnomAD exomes 0.00002; 1000 Genomes Project 0.00020; 1000 Genomes Project 30x 0.00031.
gnomAD v4.1: 12 of 1,614,210 alleles (0.00074%); highest among the groups gnomAD compares: East Asian, 0.0022%; no homozygotes.

Submissions (2):

Labcorp Genetics (formerly Invitae), Labcorp
Classification: Uncertain significance. Last evaluated: 2025-10-06. Review status: criteria provided, single submitter. Criteria: Invitae Variant Classification Sherloc (09022015). Collection method: clinical testing. Allele origin: germline.
Comment: This sequence change replaces glutamic acid, which is acidic and polar, with aspartic acid, which is acidic and polar, at codon 942 of the KAT6A protein (p.Glu942Asp). This variant is present in population databases (rs200079318, gnomAD 0.005%). This variant has not been reported in the literature in individuals affected with KAT6A-related conditions. ClinVar contains an entry for this variant (Variation ID: 2068842). Invitae Evidence Modeling of protein sequence and biophysical properties (such as structural, functional, and spatial information, amino acid conservation, physicochemical variation, residue mobility, and thermodynamic stability) indicates that this missense variant is not expected to disrupt KAT6A protein function with a negative predictive value of 95%. In summary, the available evidence is currently insufficient to determine the role of this variant in disease. Therefore, it has been classified as a Variant of Uncertain Significance.

Ambry Genetics
Classification: Likely benign for Inborn genetic diseases. Last evaluated: 2024-05-24. Review status: criteria provided, single submitter. Criteria: Ambry Variant Classification Scheme 2023. Collection method: clinical testing. Allele origin: germline.